The following is an entry in ClinVar:

NM_000257.4(MYH7):c.5656-2A>G

Gene: MYH7 (myosin heavy chain 7; minus strand). Cytogenetic location: 14q11.2.
Variant type: single nucleotide variant.
Coding change: c.5656-2A>G on transcript NM_000257.4 (MANE Select); the canonical splice acceptor site of the intron before coding-DNA position 5656, A replaced by G.
Molecular consequence: splice acceptor variant.
Genome position (GRCh38, 1-based): chr14:23,413,895, T>C on the plus strand (A>G on the coding strand, the complement: MYH7 is on the minus strand). VCF-style: chr14-23413895-T-C. GRCh37 (hg19) VCF-style: chr14-23883104-T-C.
Other names: c.5656-2A>G (NM_001407004.1).
Identifiers: ClinVar variation 3387275 (VCV003387275.1).

ClinVar aggregate classification (germline): Uncertain significance (1 of 4 stars; one submission).

Conditions:
Cardiomyopathy (CMYO). Also called: Cardiomyopathies. Identifiers: Orphanet 167848, MedGen C0878544, MONDO:0004994, HP:0001638. Inheritance: Various modes of inheritance.

Submission:

All of Us Research Program, National Institutes of Health
Classification: Uncertain significance for Cardiomyopathy. Last evaluated: 2024-08-30. Review status: criteria provided, single submitter. Criteria: ACMG Guidelines, 2015. Collection method: clinical testing. Allele origin: germline. Inheritance: Autosomal dominant inheritance. Observed: 1 variant allele, 1 heterozygote.
Comment: This study involves interpretation of variants in research participants for the purpose of population health screening. Participant phenotype was not available at the time of variant classification. Additional details can be found in publication PMID: 35346344, PMCID: PMC8962531